The following is an entry in ClinVar:

NM_000038.6(APC):c.2260G>T (p.Val754Phe)

Gene: APC (APC regulator of Wnt signaling pathway; plus strand). Cytogenetic location: 5q22.2.
Variant type: single nucleotide variant.
Coding change: c.2260G>T on transcript NM_000038.6 (MANE Select); coding-DNA position 2260, G replaced by T.
Protein change: p.Val754Phe; replaces valine 754 with phenylalanine.
Molecular consequence: missense variant.
Genome position (GRCh38, 1-based): chr5:112,837,854, G>T. VCF-style: chr5-112837854-G-T. GRCh37 (hg19) VCF-style: chr5-112173551-G-T.
Other names: c.2260G>T, p.Val754Phe (NM_001127510.3, NM_001354895.2); c.2206G>T, p.Val736Phe (NM_001127511.3); c.2314G>T, p.Val772Phe (NM_001354896.2); c.2290G>T, p.Val764Phe (NM_001354897.2); c.2185G>T, p.Val729Phe (NM_001354898.2); c.2176G>T, p.Val726Phe (NM_001354899.2); c.2137G>T, p.Val713Phe (NM_001354900.2); c.2083G>T, p.Val695Phe (NM_001354901.2); and 5 more; short protein forms V736F, V754F, V653F, V663F, V471F, V628F, V695F, V726F.
Identifiers: ClinVar variation 411352 (VCV000411352.18), dbSNP rs764099150, ClinGen allele CA031565.

ClinVar aggregate classification (germline): Uncertain significance. Review status: criteria provided, multiple submitters, no conflicts (2 of 4 stars). 5 submissions from 5 submitters: Uncertain significance (4). 1 of the submissions does not count toward it. Last evaluated 2025-08-31.

Conditions:
Familial adenomatous polyposis 1 (FAP1). Also called: FAMILIAL ADENOMATOUS POLYPOSIS 1, ATTENUATED; POLYPOSIS, ADENOMATOUS INTESTINAL. Identifiers: MedGen C2713442, MONDO:0021056, OMIM 175100. Disease mechanism: loss of function.
Hereditary cancer-predisposing syndrome. Also called: Tumor predisposition; Hereditary Cancer Syndrome; Hereditary neoplastic syndrome; Neoplastic Syndromes, Hereditary. Identifiers: Orphanet 140162, MedGen C0027672, MeSH D009386, MONDO:0015356.

Allele frequency attached by ClinVar (database versions not stated): ExAC 0.00001; gnomAD 0.00001; TOPMed 0.00001.
gnomAD v4.1: 2 of 1,613,854 alleles (0.00012%); highest among the groups gnomAD compares: Non-Finnish European, 0.00017%; no homozygotes.

Submissions (5):

Labcorp Genetics (formerly Invitae), Labcorp
Classification: Uncertain significance for Familial adenomatous polyposis 1. Last evaluated: 2025-08-31. Review status: criteria provided, single submitter. Criteria: Invitae Variant Classification Sherloc (09022015). Collection method: clinical testing. Allele origin: germline.
Comment: This sequence change replaces valine, which is neutral and non-polar, with phenylalanine, which is neutral and non-polar, at codon 754 of the APC protein (p.Val754Phe). This variant is present in population databases (rs764099150, gnomAD 0.0009%). This variant has not been reported in the literature in individuals affected with APC-related conditions. ClinVar contains an entry for this variant (Variation ID: 411352). Invitae Evidence Modeling of protein sequence and biophysical properties (such as structural, functional, and spatial information, amino acid conservation, physicochemical variation, residue mobility, and thermodynamic stability) indicates that this missense variant is not expected to disrupt APC protein function with a negative predictive value of 95%. In summary, the available evidence is currently insufficient to determine the role of this variant in disease. Therefore, it has been classified as a Variant of Uncertain Significance.

Ambry Genetics
Classification: Uncertain significance for Hereditary cancer-predisposing syndrome. Last evaluated: 2024-12-17. Review status: criteria provided, single submitter. Criteria: Ambry Variant Classification Scheme 2023. Collection method: clinical testing. Allele origin: germline.
Comment: The p.V754F variant (also known as c.2260G>T), located in coding exon 15 of the APC gene, results from a G to T substitution at nucleotide position 2260. The valine at codon 754 is replaced by phenylalanine, an amino acid with highly similar properties. This amino acid position is well conserved in available vertebrate species. In addition, in silico predictors for this gene do not accurately predict pathogenicity. Missense alterations in APC are not a common cause of disease (Spier I et al. Genet Med. 2024 Feb;26(2):100992). Based on the available evidence, the clinical significance of this variant remains unclear.

Baylor Genetics
Classification: Uncertain significance for Familial adenomatous polyposis 1. Last evaluated: 2024-03-04. Review status: criteria provided, single submitter. Criteria: ACMG Guidelines, 2015. Collection method: clinical testing. Allele origin: unknown.

Myriad Genetics, Inc.
Classification: Uncertain significance for Familial adenomatous polyposis 1. Last evaluated: 2023-02-14. Review status: criteria provided, single submitter. Criteria: Myriad Autosomal Dominant, Autosomal Recessive and X-Linked Classification Criteria (2023). Collection method: clinical testing. Allele origin: unknown.
Comment: This variant is classified as a variant of uncertain significance as there is insufficient evidence to determine its impact on protein function and/or cancer risk.

Counsyl
Classification: Uncertain significance for Familial adenomatous polyposis 1. Last evaluated: 2017-08-25. Review status: no assertion criteria provided. Collection method: clinical testing. Allele origin: unknown. Not counted in ClinVar's aggregate classification.

Literature cited by the submitters: PubMed 29684080 (cited by Ambry Genetics).